The following is an entry in ClinVar:

ClinVar aggregate classification (germline): Uncertain significance. Review status: criteria provided, multiple submitters, no conflicts (2 of 4 stars). 2 submissions from 2 submitters: Uncertain significance (2). Last evaluated 2025-08-05.

Conditions:
PLXNA1-related disorder. Also called: PLXNA1-related condition.

gnomAD v4.1: 4 of 1,612,796 alleles (0.00025%); highest among the groups gnomAD compares: Non-Finnish European, 0.00034%; no homozygotes.

Submissions (2):

Ambry Genetics
Classification: Uncertain significance. Last evaluated: 2025-08-05. Review status: criteria provided, single submitter. Criteria: Ambry Variant Classification Scheme 2023. Collection method: clinical testing. Allele origin: germline.

PreventionGenetics, part of Exact Sciences
Classification: Uncertain significance for PLXNA1-related condition. Last evaluated: 2025-04-18. Review status: criteria provided, single submitter. Criteria: ACMG Guidelines, 2015. Collection method: clinical testing. Allele origin: germline.
Comment: The PLXNA1 c.2033A>G variant is predicted to result in the amino acid substitution p.His678Arg. To our knowledge, this variant has not been reported in the literature or in a large population database, indicating this variant is rare. At this time, the clinical significance of this variant is uncertain due to the absence of conclusive functional and genetic evidence.

NM_032242.4(PLXNA1):c.2033A>G (p.His678Arg)

Gene: PLXNA1 (plexin A1; plus strand). Cytogenetic location: 3q21.3.
Variant type: single nucleotide variant.
Coding change: c.2033A>G on transcript NM_032242.4 (MANE Select); coding-DNA position 2033, A replaced by G.
Protein change: p.His678Arg; replaces histidine 678 with arginine.
Molecular consequence: missense variant.
Genome position (GRCh38, 1-based): chr3:127,007,834, A>G. VCF-style: chr3-127007834-A-G. GRCh37 (hg19) VCF-style: chr3-126726677-A-G.
Other names: short protein forms H678R.
Identifiers: ClinVar variation 3349166 (VCV003349166.3).